The following is an entry in ClinVar:

NM_203446.3(SYNJ1):c.3915+5G>T

Gene: SYNJ1 (synaptojanin 1; minus strand). Cytogenetic location: 21q22.11.
Variant type: single nucleotide variant.
Coding change: c.3915+5G>T on transcript NM_203446.3 (MANE Select); 5 bases into the intron after coding-DNA position 3915, G replaced by T.
Molecular consequence: intron variant.
Genome position (GRCh38, 1-based): chr21:32,638,903, C>A on the plus strand (G>T on the coding strand, the complement: SYNJ1 is on the minus strand). VCF-style: chr21-32638903-C-A. GRCh37 (hg19) VCF-style: chr21-34011213-C-A.
Other names: c.4032+5G>T (NM_003895.4); c.3867+5G>T (NM_001160302.2); c.3774+5G>T (NM_001160306.2).
Identifiers: ClinVar variation 478342 (VCV000478342.18), dbSNP rs61750220, ClinGen allele CA10003221.

ClinVar aggregate classification (germline): Benign. Review status: criteria provided, multiple submitters, no conflicts (2 of 4 stars). 5 submissions from 5 submitters: Benign (5). Last evaluated 2026-02-03.

Conditions:
Developmental and epileptic encephalopathy, 53. Also called: Epileptic encephalopathy, early infantile, 53. Identifiers: MedGen C4479313, MONDO:0033362, OMIM 617389.
Early-onset Parkinson disease 20. Also called: PARKINSON DISEASE 20, AUTOSOMAL RECESSIVE EARLY-ONSET. Identifiers: Orphanet 391411, MedGen C3809824, MONDO:0014233, OMIM 615530.

Allele frequency attached by ClinVar (database versions not stated): ExAC 0.00396; gnomAD 0.01272 and 0.01369; ESP Exome Variant Server 0.01353; TOPMed 0.01377; 1000 Genomes Project 0.01418; 1000 Genomes Project 30x 0.01421.
gnomAD v4.1: 3,693 of 1,588,414 alleles (0.23%); highest among the groups gnomAD compares: African/African-American, 4.4%; 88 homozygotes.

Submissions (20):

Labcorp Genetics (formerly Invitae), Labcorp
Classification: Benign for Developmental and epileptic encephalopathy, 53; Early-onset Parkinson disease 20. Last evaluated: 2026-02-03. Review status: criteria provided, single submitter. Criteria: Invitae Variant Classification Sherloc (09022015). Collection method: clinical testing. Allele origin: germline.

Mayo Clinic Laboratories, Mayo Clinic
Classification: Benign. Last evaluated: 2024-12-27. Review status: criteria provided, single submitter. Criteria: ACMG Guidelines, 2015. Collection method: clinical testing. Allele origin: germline. Observed: 2 variant alleles.
Comment: BA1, BS2

GeneDx
Classification: Benign. Last evaluated: 2020-02-10. Review status: criteria provided, single submitter. Criteria: GeneDx Variant Classification Process June 2021. Collection method: clinical testing. Allele origin: germline. Affected: yes.

Athena Diagnostics
Classification: Benign. Last evaluated: 2018-06-14. Review status: criteria provided, single submitter. Criteria: Athena Diagnostics Criteria. Collection method: clinical testing. Allele origin: germline.

Breakthrough Genomics
Classification: Benign. Review status: criteria provided, single submitter. Criteria: ACMG Guidelines, 2015. Collection method: not provided. Allele origin: germline. Inheritance: Autosomal recessive inheritance. Affected: yes.

Dr. Peter K. Rogan Lab, Western University
No classification provided (evidence only). Condition: Clear cell carcinoma of kidney. Review status: no classification provided. Collection method: in vitro. Allele origin: not applicable. Functional consequence: retained intron. Not counted in ClinVar's aggregate classification.

Dr. Peter K. Rogan Lab, Western University
No classification provided (evidence only). Condition: Clear cell carcinoma of kidney. Review status: no classification provided. Collection method: in vitro. Allele origin: not applicable. Functional consequence: retained intron. Not counted in ClinVar's aggregate classification.

Dr. Peter K. Rogan Lab, Western University
No classification provided (evidence only). Condition: Clear cell carcinoma of kidney. Review status: no classification provided. Collection method: in vitro. Allele origin: not applicable. Functional consequence: retained intron. Not counted in ClinVar's aggregate classification.

Dr. Peter K. Rogan Lab, Western University
No classification provided (evidence only). Condition: Acute myeloid leukemia. Review status: no classification provided. Collection method: in vitro. Allele origin: not applicable. Functional consequence: retained intron. Not counted in ClinVar's aggregate classification.

Dr. Peter K. Rogan Lab, Western University
No classification provided (evidence only). Condition: Acute myeloid leukemia. Review status: no classification provided. Collection method: in vitro. Allele origin: not applicable. Functional consequence: retained intron. Not counted in ClinVar's aggregate classification.

Dr. Peter K. Rogan Lab, Western University
No classification provided (evidence only). Condition: Acute myeloid leukemia. Review status: no classification provided. Collection method: in vitro. Allele origin: not applicable. Functional consequence: retained intron. Not counted in ClinVar's aggregate classification.

Dr. Peter K. Rogan Lab, Western University
No classification provided (evidence only). Condition: Uterine corpus endometrial carcinoma. Review status: no classification provided. Collection method: in vitro. Allele origin: not applicable. Functional consequence: retained intron. Not counted in ClinVar's aggregate classification.

Dr. Peter K. Rogan Lab, Western University
No classification provided (evidence only). Condition: Uterine corpus endometrial carcinoma. Review status: no classification provided. Collection method: in vitro. Allele origin: not applicable. Functional consequence: retained intron. Not counted in ClinVar's aggregate classification.

Dr. Peter K. Rogan Lab, Western University
No classification provided (evidence only). Condition: Cervical cancer. Review status: no classification provided. Collection method: in vitro. Allele origin: not applicable. Functional consequence: retained intron. Not counted in ClinVar's aggregate classification.

Dr. Peter K. Rogan Lab, Western University
No classification provided (evidence only). Condition: Cervical cancer. Review status: no classification provided. Collection method: in vitro. Allele origin: not applicable. Functional consequence: retained intron. Not counted in ClinVar's aggregate classification.

Dr. Peter K. Rogan Lab, Western University
No classification provided (evidence only). Condition: Ovarian serous cystadenocarcinoma. Review status: no classification provided. Collection method: in vitro. Allele origin: not applicable. Functional consequence: retained intron. Not counted in ClinVar's aggregate classification.

Dr. Peter K. Rogan Lab, Western University
No classification provided (evidence only). Condition: Ovarian serous cystadenocarcinoma. Review status: no classification provided. Collection method: in vitro. Allele origin: not applicable. Functional consequence: retained intron. Not counted in ClinVar's aggregate classification.

Dr. Peter K. Rogan Lab, Western University
No classification provided (evidence only). Condition: Gastric cancer. Review status: no classification provided. Collection method: in vitro. Allele origin: not applicable. Functional consequence: retained intron. Not counted in ClinVar's aggregate classification.

Dr. Peter K. Rogan Lab, Western University
No classification provided (evidence only). Condition: Gastric cancer. Review status: no classification provided. Collection method: in vitro. Allele origin: not applicable. Functional consequence: retained intron. Not counted in ClinVar's aggregate classification.

Dr. Peter K. Rogan Lab, Western University
No classification provided (evidence only). Condition: Gastric cancer. Review status: no classification provided. Collection method: in vitro. Allele origin: not applicable. Functional consequence: retained intron. Not counted in ClinVar's aggregate classification.